The following is an entry in ClinVar:

ClinVar aggregate classification (germline): Uncertain significance (1 of 4 stars; one submission).

Submission:

GeneDx
Classification: Uncertain significance. Last evaluated: 2026-04-03. Review status: criteria provided, single submitter. Criteria: GeneDx Variant Classification Process June 2021. Collection method: clinical testing. Allele origin: germline.
Comment: Not observed at significant frequency in large population cohorts (gnomAD); In-frame duplication of 1 amino acid(s) in a non-repeat region; Has not been previously published as pathogenic or benign to our knowledge

NM_006766.5(KAT6A):c.2265_2267dup (p.His756_Met757insHis)

Gene: KAT6A (lysine acetyltransferase 6A; minus strand). Cytogenetic location: 8p11.21.
Variant type: Duplication.
Coding change: c.2265_2267dup on transcript NM_006766.5 (MANE Select); coding-DNA positions 2265 to 2267, 3 bases duplicated (TCA; older notation c.2265_2267dupTCA).
Protein change: p.His756_Met757insHis.
Molecular consequence: inframe insertion.
Genome position (GRCh38, 1-based): chr8:41,942,962-41,942,964, TGA duplicated on the plus strand (TCA on the coding strand, the reverse complement: KAT6A is on the minus strand); duplicating any 3 consecutive bases within chr8:41,942,962-41,942,965 gives the same sequence; the c. name uses the placement nearest the transcript's 3' end. VCF-style (leftmost placement, unchanged base first): chr8-41942961-G-GTGA. GRCh37 (hg19) VCF-style: chr8-41800479-G-GTGA.
Other names: c.2265_2267dup, p.His756_Met757insHis (NM_001305878.2).
Identifiers: ClinVar variation 5016908 (VCV005016908.1).
Genomic context (GRCh38, chr8:41,942,961, plus strand): 5'-CCAGCGCAAACATTCTGGATCTACATCTACAGGTCGCAAATTCAGCTGAAGCTTTGCCAT[G>GTGA]TGATCCTGGATAAGTTTTTCCCGGCGGATAATCACAAATCTGGAACCAGAGAAAAGTTTA-3'